The following is an entry in ClinVar:

ClinVar aggregate classification (germline): Likely benign. Review status: criteria provided, multiple submitters, no conflicts (2 of 4 stars). 2 submissions from 2 submitters: Likely benign (2). Last evaluated 2022-11-07.

Conditions:
ALG3-congenital disorder of glycosylation. Also called: CONGENITAL DISORDER OF GLYCOSYLATION, TYPE Id; CDG Id; CARBOHYDRATE-DEFICIENT GLYCOPROTEIN SYNDROME, TYPE IV; CDGS, TYPE IV; ALG3-CDG. Identifiers: Orphanet 79321, MedGen C1832736, MONDO:0010998, OMIM 601110.

Allele frequency attached by ClinVar (database versions not stated): gnomAD exomes 0.00001 and 0.00005; ExAC 0.00002; gnomAD 0.00002 and 0.00003; TOPMed 0.00003.
gnomAD v4.1: 73 of 1,613,820 alleles (0.0045%); highest among the groups gnomAD compares: Non-Finnish European, 0.0058%; no homozygotes.

Submissions (2):

Labcorp Genetics (formerly Invitae), Labcorp
Classification: Likely benign for ALG3-congenital disorder of glycosylation. Last evaluated: 2022-11-07. Review status: criteria provided, single submitter. Criteria: Invitae Variant Classification Sherloc (09022015). Collection method: clinical testing. Allele origin: germline.

GeneDx
Classification: Likely benign. Last evaluated: 2017-12-18. Review status: criteria provided, single submitter. Criteria: GeneDx Variant Classification (06012015). Collection method: clinical testing. Allele origin: germline. Affected: yes.
Comment: This variant is considered likely benign or benign based on one or more of the following criteria: it is a conservative change, it occurs at a poorly conserved position in the protein, it is predicted to be benign by multiple in silico algorithms, and/or has population frequency not consistent with disease.

NM_005787.6(ALG3):c.1107C>T (p.Pro369=)

Gene: ALG3 (ALG3 alpha-1,3- mannosyltransferase; minus strand). Cytogenetic location: 3q27.1.
Variant type: single nucleotide variant.
Coding change: c.1107C>T on transcript NM_005787.6 (MANE Select); coding-DNA position 1107, C replaced by T.
Protein change: p.Pro369=; no amino-acid change (proline 369 retained).
Molecular consequence: synonymous variant. On other transcripts: non-coding transcript variant (2).
Genome position (GRCh38, 1-based): chr3:184,242,860, G>A on the plus strand (C>T on the coding strand, the complement: ALG3 is on the minus strand). VCF-style: chr3-184242860-G-A. GRCh37 (hg19) VCF-style: chr3-183960648-G-A.
Other names: c.963C>T, p.Pro321= (NM_001006941.2).
Identifiers: ClinVar variation 514072 (VCV000514072.5), dbSNP rs753913644, ClinGen allele CA2729320.